The following is an entry in ClinVar:

ClinVar aggregate classification (germline): Uncertain significance (1 of 4 stars; one submission).

Conditions:
Arrhythmogenic right ventricular dysplasia 10. Also called: Arrhythmogenic Right Ventricular Dysplasia/Cardiomyopathy10; Arrhythmogenic right ventricular dysplasia/cardiomyopathy, type 10; ARRHYTHMOGENIC RIGHT VENTRICULAR DYSPLASIA, FAMILIAL, 10. Identifiers: MedGen C1857777, MONDO:0012434, OMIM 610193.

Submission:

Labcorp Genetics (formerly Invitae), Labcorp
Classification: Uncertain significance for Arrhythmogenic right ventricular dysplasia 10. Last evaluated: 2024-04-30. Review status: criteria provided, single submitter. Criteria: Invitae Variant Classification Sherloc (09022015). Collection method: clinical testing. Allele origin: germline.
Comment: This sequence change results in a frameshift in the DSG2 gene (p.Ser1103Profs*23). While this is not anticipated to result in nonsense mediated decay, it is expected to disrupt the last 16 amino acid(s) of the DSG2 protein and extend the protein by 6 additional amino acid residues. This variant is present in population databases (no rsID available, gnomAD 0.0009%). This variant has not been reported in the literature in individuals affected with DSG2-related conditions. Experimental studies and prediction algorithms are not available or were not evaluated, and the functional significance of this variant is currently unknown. In summary, the available evidence is currently insufficient to determine the role of this variant in disease. Therefore, it has been classified as a Variant of Uncertain Significance.

NM_001943.5(DSG2):c.3307_3310del (p.Ser1103fs)

Genes: DSG2 (desmoglein 2; plus strand), DSG2-AS1 (DSG2 antisense RNA 1; minus strand). Cytogenetic location: 18q12.1.
Variant type: Deletion.
Coding change: c.3307_3310del on transcript NM_001943.5 (MANE Select); coding-DNA positions 3307 to 3310, 4 bases deleted (TCTT; older notation c.3307_3310delTCTT).
Protein change: p.Ser1103fs; shifts the reading frame from serine 1103.
Molecular consequence: frameshift variant.
Genome position (GRCh38, 1-based): chr18:31,546,693-31,546,696, TCTT deleted. VCF-style (leftmost placement, unchanged base first): chr18-31546692-ATCTT-A. GRCh37 (hg19) VCF-style: chr18-29126655-ATCTT-A.
Other names: short protein forms S1103fs.
Identifiers: ClinVar variation 3703160 (VCV003703160.2).